The following is an entry in ClinVar:

NM_001244008.2(KIF1A):c.4708C>T (p.His1570Tyr)

Gene: KIF1A (kinesin family member 1A; minus strand). Cytogenetic location: 2q37.3.
Variant type: single nucleotide variant.
Coding change: c.4708C>T on transcript NM_001244008.2 (MANE Select); coding-DNA position 4708, C replaced by T.
Protein change: p.His1570Tyr; replaces histidine 1570 with tyrosine.
Molecular consequence: missense variant.
Genome position (GRCh38, 1-based): chr2:240,721,842, G>A on the plus strand (C>T on the coding strand, the complement: KIF1A is on the minus strand). VCF-style: chr2-240721842-G-A. GRCh37 (hg19) VCF-style: chr2-241661259-G-A.
Other names: c.4432C>T, p.His1478Tyr (NM_001320705.2, NM_001379649.1); c.4459C>T, p.His1487Tyr (NM_001330289.2); c.4507C>T, p.His1503Tyr (NM_001330290.2, NM_001379648.1); c.4783C>T, p.His1595Tyr (NM_001379631.1); c.4684C>T, p.His1562Tyr (NM_001379632.1); c.4681C>T, p.His1561Tyr (NM_001379633.1, NM_001379645.1); c.4534C>T, p.His1512Tyr (NM_001379634.1); c.4531C>T, p.His1511Tyr (NM_001379635.1, NM_001379646.1); and 7 more; short protein forms H1469Y, H1570Y, H1478Y, H1487Y, H1503Y, H1468Y, H1477Y, H1486Y.
Identifiers: ClinVar variation 246058 (VCV000246058.12), dbSNP rs528171871, ClinGen allele CA2207344.

ClinVar aggregate classification (germline): Conflicting classifications of pathogenicity. Review status: criteria provided, conflicting classifications (1 of 4 stars). 3 submissions from 3 submitters: Uncertain significance (2); Likely benign (1). Last evaluated 2025-07-02.

Conditions:
Hereditary spastic paraplegia 30. Identifiers: Orphanet 101010, MedGen C5235139, MONDO:0012476.
Neuropathy, hereditary sensory, type 2C. Also called: Hereditary sensory and autonomic neuropathy type IIC; KIF1A-Related HSAN2 (HSAN2C). Identifiers: Orphanet 970, MedGen C3280168, MONDO:0013634, OMIM 614213.
Intellectual disability, autosomal dominant 9 (NESCAVS). Also called: KIF1A-Related Neurodevelopmental Disorder; NESCAV SYNDROME. Identifiers: Orphanet 662367, MedGen C5393830, MONDO:0013656, OMIM 614255.

Allele frequency attached by ClinVar (database versions not stated): gnomAD exomes 0.00001; ExAC 0.00002; gnomAD 0.00003 and 0.00004; TOPMed 0.00003; 1000 Genomes Project 0.00020; 1000 Genomes Project 30x 0.00031.
gnomAD v4.1: 83 of 1,607,538 alleles (0.0052%); highest among the groups gnomAD compares: Non-Finnish European, 0.0068%; no homozygotes.

Submissions (3):

Labcorp Genetics (formerly Invitae), Labcorp
Classification: Likely benign for Hereditary spastic paraplegia 30; Neuropathy, hereditary sensory, type 2C; Intellectual disability, autosomal dominant 9. Last evaluated: 2025-07-02. Review status: criteria provided, single submitter. Criteria: Invitae Variant Classification Sherloc (09022015). Collection method: clinical testing. Allele origin: germline.

Women's Health and Genetics/Laboratory Corporation of America, LabCorp
Classification: Uncertain significance. Last evaluated: 2025-06-11. Review status: criteria provided, single submitter. Criteria: LabCorp Variant Classification Summary - May 2015. Collection method: clinical testing. Allele origin: germline.
Comment: Variant summary: KIF1A c.4405C>T (p.His1469Tyr) results in a conservative amino acid change in the encoded protein sequence. Algorithms developed to predict the effect of missense changes on protein structure and function are either unavailable or do not agree on the potential impact of this missense change. The variant allele was found at a frequency of 1.2e-05 in 241958 control chromosomes. The available data on variant occurrences in the general population are insufficient to allow any conclusion about variant significance. To our knowledge, no occurrence of c.4405C>T in individuals affected with Neuropathy, hereditary sensory, type 2C and no experimental evidence demonstrating its impact on protein function have been reported. ClinVar contains an entry for this variant (Variation ID: 246058). Based on the evidence outlined above, the variant was classified as uncertain significance.

GeneDx
Classification: Uncertain significance. Last evaluated: 2022-04-07. Review status: criteria provided, single submitter. Criteria: GeneDx Variant Classification Process June 2021. Collection method: clinical testing. Allele origin: germline. Affected: yes.
Comment: In silico analysis supports that this missense variant does not alter protein structure/function; Has not been previously published as pathogenic or benign to our knowledge